The following is an entry in ClinVar:

ClinVar aggregate classification (germline): Uncertain significance (0 of 4 stars; one submission).

Conditions:
Wolff-Parkinson-White pattern. Also called: WPW SYNDROME; Auriculoventricular accessory pathway syndrome; False bundle branch block syndrome; Anomalous ventricular excitation syndrome. Identifiers: MedGen C0043202, MONDO:0008685, OMIM 194200, HP:0001716.

gnomAD v4.1: 2 of 1,614,000 alleles (0.00012%); highest among the groups gnomAD compares: Admixed American, 0.0017%; no homozygotes.

Submission:

Lupski Lab, Baylor-Hopkins CMG, Baylor College of Medicine
Classification: Uncertain significance for Wolff-Parkinson-White pattern. Last evaluated: 2017-07-14. Review status: no assertion criteria provided. Collection method: research. Allele origin: inherited. Affected: yes. Observed: 1 variant allele. Study: Candidate_variants_in_patients_with_ Wolff-Parkinson-White Syndrome.

NM_001105206.3(LAMA4):c.1420G>T (p.Val474Phe)

Gene: LAMA4 (laminin subunit alpha 4; minus strand). Cytogenetic location: 6q21.
Variant type: single nucleotide variant.
Coding change: c.1420G>T on transcript NM_001105206.3 (MANE Select); coding-DNA position 1420, G replaced by T.
Protein change: p.Val474Phe; replaces valine 474 with phenylalanine.
Molecular consequence: missense variant.
Genome position (GRCh38, 1-based): chr6:112,172,742, C>A on the plus strand (G>T on the coding strand, the complement: LAMA4 is on the minus strand). VCF-style: chr6-112172742-C-A. GRCh37 (hg19) VCF-style: chr6-112493944-C-A.
Other names: c.1399G>T, p.Val467Phe (NM_001105207.3, NM_002290.5); short protein forms V467F, V474F.
Identifiers: ClinVar variation 487609 (VCV000487609.1), dbSNP rs375981026, ClinGen allele CA365370854.